The following is an entry in ClinVar:

ClinVar aggregate classification (germline): Uncertain significance (1 of 4 stars; one submission).

gnomAD v4.1: 22 of 1,552,382 alleles (0.0014%); highest among the groups gnomAD compares: Middle Eastern, 0.018%; no homozygotes.

Submission:

GeneDx
Classification: Uncertain significance. Last evaluated: 2024-10-02. Review status: criteria provided, single submitter. Criteria: GeneDx Variant Classification Process June 2021. Collection method: clinical testing. Allele origin: germline. Affected: yes.
Comment: Canonical splice site variant predicted to result in a null allele in a gene for which loss of function is a known mechanism of disease; Has not been previously published as pathogenic or benign to our knowledge

NM_017433.5(MYO3A):c.4546-2A>G

Gene: MYO3A (myosin IIIA; plus strand). Cytogenetic location: 10p12.1.
Variant type: single nucleotide variant.
Coding change: c.4546-2A>G on transcript NM_017433.5 (MANE Select); the canonical splice acceptor site of the intron before coding-DNA position 4546, A replaced by G.
Molecular consequence: splice acceptor variant.
Genome position (GRCh38, 1-based): chr10:26,201,263, A>G. VCF-style: chr10-26201263-A-G. GRCh37 (hg19) VCF-style: chr10-26490192-A-G.
Identifiers: ClinVar variation 3776671 (VCV003776671.1), dbSNP rs765721461.